The following is an entry in ClinVar:

NM_001319206.4(MEF2A):c.1434A>G (p.Pro478=)

Gene: MEF2A (myocyte enhancer factor 2A; plus strand). Cytogenetic location: 15q26.3.
Variant type: single nucleotide variant.
Coding change: c.1434A>G on transcript NM_001319206.4 (MANE Select); coding-DNA position 1434, A replaced by G.
Protein change: p.Pro478=; no amino-acid change (proline 478 retained).
Molecular consequence: synonymous variant.
Genome position (GRCh38, 1-based): chr15:99,712,687, A>G. VCF-style: chr15-99712687-A-G. GRCh37 (hg19) VCF-style: chr15-100252892-A-G.
Other names: c.1410A>G, p.Pro470= (NM_001130926.5, NM_001171894.5, NM_001352614.4 and 15 more transcripts); c.1230A>G, p.Pro410= (NM_001130927.5, NM_001365209.3); c.1206A>G, p.Pro402= (NM_001130928.4, NM_001393559.2); c.1434A>G, p.Pro478= (NM_001352616.4, NM_001365205.3, NM_001400031.1 and 5 more transcripts); c.1416A>G, p.Pro472= (NM_001352617.4, NM_001365207.3, NM_001400038.1 and 8 more transcripts); c.1428A>G, p.Pro476= (NM_001352618.4, NM_001365206.3, NM_001400037.1); c.1452A>G, p.Pro484= (NM_001365201.3, NM_001365202.3); c.1440A>G, p.Pro480= (NM_001365203.3, NM_001365204.3, NM_001400029.1 and 1 more transcripts); and 6 more.
Identifiers: ClinVar variation 3056661 (VCV003056661.2), dbSNP rs34851361, ClinGen allele CA7755703.
Genomic context (GRCh38, chr15:99,712,687, plus strand): 5'-CTCTAGTAGCTCCTATGATGGCAGTGATCGGGAGGATCCACGGGGCGACTTCCATTCTCC[A>G]ATTGTGCTTGGCCGACCCCCAAACACTGAGGACAGAGAAAGCCCTTCTGTAAAGCGAATG-3'
Protein context (NP_001306135.1, residues 468-488): REDPRGDFHS[Pro478=]IVLGRPPNTE

ClinVar aggregate classification (germline): Benign (0 of 4 stars; one submission).

Conditions:
MEF2A-related disorder. Also called: MEF2A-related condition.

Allele frequency attached by ClinVar (database versions not stated): 1000 Genomes Project 0.03015; 1000 Genomes Project 30x 0.03107; gnomAD 0.06247; ESP Exome Variant Server 0.06335; TOPMed 0.06430; ExAC 0.08456; gnomAD exomes 0.08674.
gnomAD v4.1: 131,542 of 1,561,912 alleles (8.4%); highest among the groups gnomAD compares: Non-Finnish European, 9.8%; 6,251 homozygotes.

Submission:

PreventionGenetics, part of Exact Sciences
Classification: Benign for MEF2A-related condition. Last evaluated: 2019-11-12. Review status: no assertion criteria provided. Collection method: clinical testing. Allele origin: germline.
Comment: This variant is classified as benign based on ACMG/AMP sequence variant interpretation guidelines (Richards et al. 2015 PMID: 25741868, with internal and published modifications).